The following is an entry in ClinVar:

ClinVar aggregate classification (germline): Uncertain significance. Review status: criteria provided, multiple submitters, no conflicts (2 of 4 stars). 2 submissions from 2 submitters: Uncertain significance (2). Last evaluated 2025-09-10.

Conditions:
Inborn genetic diseases. Identifiers: MedGen C0950123, MeSH D030342.

Allele frequency attached by ClinVar (database versions not stated): TOPMed below 0.00001.
gnomAD v4.1: 5 of 1,614,024 alleles (0.00031%); highest among the groups gnomAD compares: Non-Finnish European, 0.00042%; no homozygotes.

Submissions (2):

Ambry Genetics
Classification: Uncertain significance for Inborn genetic diseases. Last evaluated: 2025-09-10. Review status: criteria provided, single submitter. Criteria: Ambry Variant Classification Scheme 2023. Collection method: clinical testing. Allele origin: germline.

Labcorp Genetics (formerly Invitae), Labcorp
Classification: Uncertain significance. Last evaluated: 2020-07-20. Review status: criteria provided, single submitter. Criteria: Invitae Variant Classification Sherloc (09022015). Collection method: clinical testing. Allele origin: germline.
Comment: In summary, the available evidence is currently insufficient to determine the role of this variant in disease. Therefore, it has been classified as a Variant of Uncertain Significance. Algorithms developed to predict the effect of missense changes on protein structure and function (SIFT, PolyPhen-2, Align-GVGD) all suggest that this variant is likely to be disruptive, but these predictions have not been confirmed by published functional studies and their clinical significance is uncertain. This variant has not been reported in the literature in individuals with PDHX-related conditions. This variant is not present in population databases (ExAC no frequency). This sequence change replaces asparagine with isoleucine at codon 347 of the PDHX protein (p.Asn347Ile). The asparagine residue is highly conserved and there is a large physicochemical difference between asparagine and isoleucine.

NM_003477.3(PDHX):c.1040A>T (p.Asn347Ile)

Gene: PDHX (pyruvate dehydrogenase complex component X; plus strand). Cytogenetic location: 11p13.
Variant type: single nucleotide variant.
Coding change: c.1040A>T on transcript NM_003477.3 (MANE Select); coding-DNA position 1040, A replaced by T.
Protein change: p.Asn347Ile; replaces asparagine 347 with isoleucine.
Molecular consequence: missense variant.
Genome position (GRCh38, 1-based): chr11:34,984,586, A>T. VCF-style: chr11-34984586-A-T. GRCh37 (hg19) VCF-style: chr11-35006133-A-T.
Other names: c.860A>T, p.Asn287Ile (NM_001135024.2); c.359A>T, p.Asn120Ile (NM_001166158.2); c.1040A>T (NM_003477.2); short protein forms N120I, N347I, N287I.
Identifiers: ClinVar variation 1057014 (VCV001057014.10), dbSNP rs1855599255, ClinGen allele CA380124108.